The following is an entry in ClinVar:

ClinVar aggregate classification (germline): Uncertain significance (1 of 4 stars; one submission).

Conditions:
Early-infantile DEE. Also called: Ohtahara syndrome; Early infantile epileptic encephalopathy with suppression bursts; Early infantile epileptic encephalopathy. Identifiers: Orphanet 1934, MedGen C0393706, MONDO:0800491.

Allele frequency attached by ClinVar (database versions not stated): TOPMed below 0.00001.

Submission:

Labcorp Genetics (formerly Invitae), Labcorp
Classification: Uncertain significance for Early-infantile DEE. Last evaluated: 2022-01-14. Review status: criteria provided, single submitter. Criteria: Invitae Variant Classification Sherloc (09022015). Collection method: clinical testing. Allele origin: germline.
Comment: This variant is not present in population databases (gnomAD no frequency). In summary, the available evidence is currently insufficient to determine the role of this variant in disease. Therefore, it has been classified as a Variant of Uncertain Significance. Algorithms developed to predict the effect of missense changes on protein structure and function are either unavailable or do not agree on the potential impact of this missense change (SIFT: "Deleterious"; PolyPhen-2: "Probably Damaging"; Align-GVGD: "Class C0"). ClinVar contains an entry for this variant (Variation ID: 856286). This variant has not been reported in the literature in individuals affected with CACNA2D2-related conditions. This sequence change replaces alanine, which is neutral and non-polar, with threonine, which is neutral and polar, at codon 530 of the CACNA2D2 protein (p.Ala530Thr).

NM_006030.4(CACNA2D2):c.1588G>A (p.Ala530Thr)

Gene: CACNA2D2 (calcium voltage-gated channel auxiliary subunit alpha2delta 2; minus strand). Cytogenetic location: 3p21.31.
Variant type: single nucleotide variant.
Coding change: c.1588G>A on transcript NM_006030.4 (MANE Select); coding-DNA position 1588, G replaced by A.
Protein change: p.Ala530Thr; replaces alanine 530 with threonine.
Molecular consequence: missense variant.
Genome position (GRCh38, 1-based): chr3:50,377,505, C>T on the plus strand (G>A on the coding strand, the complement: CACNA2D2 is on the minus strand). VCF-style: chr3-50377505-C-T. GRCh37 (hg19) VCF-style: chr3-50414936-C-T.
Other names: c.1588G>A, p.Ala530Thr (NM_001005505.3, NM_001174051.3); c.1381G>A, p.Ala461Thr (NM_001291101.1); short protein forms A461T, A530T.
Identifiers: ClinVar variation 856286 (VCV000856286.7), dbSNP rs1705053157, ClinGen allele CA352927552.
Genomic context (GRCh38, chr3:50,377,505, plus strand): 5'-GGATGGGCAGGGGGATGCTCACCGTGTAGTTGGGGGTCAGCCTCTTGATGTCATTCAGAG[C>T]CACGTCAATGCCCATCACGCCCAGGATCAGCTGGTTCTGGGAGCAGAAGCATGGGGGGCT-3'
Protein context (NP_006021.2, residues 520-540): LILGVMGIDV[Ala530Thr]LNDIKRLTPN